The following is an entry in ClinVar:

ClinVar aggregate classification (germline): Pathogenic. Review status: criteria provided, multiple submitters, no conflicts (2 of 4 stars). 5 submissions from 5 submitters: Pathogenic (5). Last evaluated 2026-05-30.

Conditions:
Primary ciliary dyskinesia 3. Identifiers: Orphanet 244, MedGen C1837618, MONDO:0012085, OMIM 608644.
Primary ciliary dyskinesia. Also called: Ciliary dyskinesia. Identifiers: Orphanet 244, MedGen C0008780, MONDO:0016575, HP:0012265.
DNAH5-related disorder. Also called: DNAH5-related condition.

Allele frequency attached by ClinVar (database versions not stated): TOPMed below 0.00001; ExAC 0.00001; gnomAD exomes 0.00001 and below 0.00001.

Submissions (5):

PreventionGenetics, part of Exact Sciences
Classification: Pathogenic for DNAH5-related condition. Last evaluated: 2026-05-30. Review status: criteria provided, single submitter. Criteria: ACMG Guidelines, 2015. Collection method: clinical testing. Allele origin: germline.
Comment: The DNAH5 c.670C>T variant is predicted to result in premature protein termination (p.Arg224*). This variant has been reported in the compound heterozygous state in an individual with primary ciliary dyskinesia (Failly et al. 2009. PubMed ID: 19357118). This variant is present in 0.00088% of alleles in individuals of European (non-Finnish) descent in gnomAD. Nonsense variants in DNAH5 are expected to be pathogenic. This variant is interpreted as pathogenic.

GeneDx
Classification: Pathogenic. Last evaluated: 2025-04-25. Review status: criteria provided, single submitter. Criteria: GeneDx Variant Classification Process June 2021. Collection method: clinical testing. Allele origin: germline. Affected: yes.
Comment: Reported with another variant in a proband with primary ciliary dyskinesia, but it is not known whether the variants occurred on the same (in cis) or on different (in trans) chromosomes (PMID: 19357118); Nonsense variant predicted to result in protein truncation or nonsense mediated decay in a gene for which loss of function is a known mechanism of disease; Not observed at significant frequency in large population cohorts (gnomAD); This variant is associated with the following publications: (PMID: 25525159, 38206729, 19357118)

Natera, Inc.
Classification: Pathogenic for Primary ciliary dyskinesia. Last evaluated: 2025-03-02. Review status: criteria provided, single submitter. Criteria: Natera Variant Classification Schema (03/2026). Collection method: clinical testing. Allele origin: germline.
Comment: The c.670C>T variant in DNAH5 is a nonsense variant predicted to introduce a stop codon at amino acid 224. This variant is expected to result in nonsense mediated decay, truncation, or a dysfunctional protein product. This variant is rare in the general population with a frequency below the threshold expected for the associated phenotype(s). This variant has been observed in one or more individuals affected with the associated recessive disease, as either homozygous or compound heterozygous with a second variant (PMID: 33760720). Given the available evidence, this variant is classified as Pathogenic.

Labcorp Genetics (formerly Invitae), Labcorp
Classification: Pathogenic for Primary ciliary dyskinesia. Last evaluated: 2024-08-05. Review status: criteria provided, single submitter. Criteria: Invitae Variant Classification Sherloc (09022015). Collection method: clinical testing. Allele origin: germline.
Comment: This sequence change creates a premature translational stop signal (p.Arg224*) in the DNAH5 gene. It is expected to result in an absent or disrupted protein product. Loss-of-function variants in DNAH5 are known to be pathogenic (PMID: 11788826, 16627867). This variant is present in population databases (rs771463510, gnomAD 0.0009%). This premature translational stop signal has been observed in individual(s) with primary ciliary dyskinesia (PMID: 19357118). ClinVar contains an entry for this variant (Variation ID: 954107). For these reasons, this variant has been classified as Pathogenic.

Myriad Genetics, Inc.
Classification: Pathogenic for Primary ciliary dyskinesia 3. Last evaluated: 2024-05-14. Review status: criteria provided, single submitter. Criteria: Myriad Autosomal Dominant, Autosomal Recessive and X-Linked Classification Criteria (2023). Collection method: clinical testing. Allele origin: unknown.
Comment: NM_001369.2(DNAH5):c.670C>T(R224*) is expected to be pathogenic in the context of primary ciliary dyskinesia, DNAH5-related. This variant is predicted to lead to an abnormal or absent protein product due to the creation of a premature termination codon in DNAH5, a gene where loss-of-function variants are known to be pathogenic. Please note: this variant was assessed in the context of healthy population screening.

Literature cited by the submitters: PubMed 33760720 (cited by Natera, Inc.); PubMed 11788826 (cited by Labcorp Genetics (formerly Invitae), Labcorp); PubMed 16627867 (cited by Labcorp Genetics (formerly Invitae), Labcorp); PubMed 19357118 (cited by Labcorp Genetics (formerly Invitae), Labcorp).

NM_001369.3(DNAH5):c.670C>T (p.Arg224Ter)

Gene: DNAH5 (dynein axonemal heavy chain 5; minus strand). Cytogenetic location: 5p15.2.
Variant type: single nucleotide variant.
Coding change: c.670C>T on transcript NM_001369.3 (MANE Select); coding-DNA position 670, C replaced by T.
Protein change: p.Arg224Ter; replaces arginine 224 with a stop codon.
Molecular consequence: nonsense.
Genome position (GRCh38, 1-based): chr5:13,920,608, G>A on the plus strand (C>T on the coding strand, the complement: DNAH5 is on the minus strand). VCF-style: chr5-13920608-G-A. GRCh37 (hg19) VCF-style: chr5-13920717-G-A.
Other names: short protein forms R224*.
Identifiers: ClinVar variation 954107 (VCV000954107.15), dbSNP rs771463510, ClinGen allele CA3205119.
Genomic context (GRCh38, chr5:13,920,608, plus strand): 5'-CTAGAGTCAAGTAGTCCGTAGGTTCCTTTAGGGTTTTCAGTTCAAGTATGTCACACTTTC[G>A]AAGGTTCACCTAATTAGAATGAAAATTAAATAATCAGATGATGCTTTTGTAAAACACACA-3'